The following is an entry in ClinVar:

ClinVar aggregate classification (germline): Likely benign (1 of 4 stars; one submission).

Submission:

CeGaT Center for Human Genetics Tuebingen
Classification: Likely benign. Last evaluated: 2025-07-01. Review status: criteria provided, single submitter. Criteria: CeGaT Center For Human Genetics Tuebingen Variant Classification Criteria Version 2. Collection method: clinical testing. Allele origin: germline. Affected: yes. Observed: 1 variant allele.
Comment: YIPF3: BP4, BP7

NM_015388.4(YIPF3):c.939G>A (p.Pro313=)

Gene: YIPF3 (Yip1 domain family member 3; minus strand). Cytogenetic location: 6p21.1.
Variant type: single nucleotide variant.
Coding change: c.939G>A on transcript NM_015388.4 (MANE Select); coding-DNA position 939, G replaced by A.
Protein change: p.Pro313=; no amino-acid change (proline 313 retained).
Molecular consequence: synonymous variant.
Genome position (GRCh38, 1-based): chr6:43,512,281, C>T on the plus strand (G>A on the coding strand, the complement: YIPF3 is on the minus strand). VCF-style: chr6-43512281-C-T. GRCh37 (hg19) VCF-style: chr6-43480019-C-T.
Identifiers: ClinVar variation 4084107 (VCV004084107.8).
Genomic context (GRCh38, chr6:43,512,281, plus strand): 5'-GGTGGGAAGCCGAGCAGCAGGGAGCATGGCAGGGATGTCTCTGGGGACCCTCTGGATGGG[C>T]GGGATGTTGGGGCCCTCCAGTGTGTCCAGGATCCCTGGAAGGAAGATGGAAGGTGAGCGA-3'
Protein context (NP_056203.2, residues 303-323): ILDTLEGPNI[Pro313=]PIQRVPRDIP